The following is an entry in ClinVar:

ClinVar aggregate classification (germline): Pathogenic/Likely pathogenic. Review status: criteria provided, multiple submitters, no conflicts (2 of 4 stars). 4 submissions from 4 submitters: Pathogenic (2); Likely pathogenic (1). 1 of the submissions does not count toward it. Last evaluated 2025-10-22.

Conditions:
HJV-related disorder. Also called: HJV-related condition.
Hemochromatosis type 2A (HFE2A). Also called: HJV (HFE2)-Related Juvenile Hemochromatosis; Adult-Onset Hemochromatosis. Identifiers: Orphanet 79230, MedGen C1865614, MONDO:0011216, OMIM 602390.

Allele frequency attached by ClinVar (database versions not stated): TOPMed below 0.00001; ExAC 0.00001; gnomAD exomes 0.00004 and below 0.00001.

Submissions (4):

Labcorp Genetics (formerly Invitae), Labcorp
Classification: Pathogenic. Last evaluated: 2025-10-22. Review status: criteria provided, single submitter. Criteria: Invitae Variant Classification Sherloc (09022015). Collection method: clinical testing. Allele origin: germline.
Comment: This sequence change replaces leucine, which is neutral and non-polar, with proline, which is neutral and non-polar, at codon 101 of the HJV protein (p.Leu101Pro). This variant is present in population databases (rs74315327, gnomAD 0.002%). This missense change has been observed in individual(s) with hemochromatosis (PMID: 14982867, 14982873, 30389309). In at least one individual the data is consistent with being in trans (on the opposite chromosome) from a pathogenic variant. It has also been observed to segregate with disease in related individuals. ClinVar contains an entry for this variant (Variation ID: 2370). Invitae Evidence Modeling of protein sequence and biophysical properties (such as structural, functional, and spatial information, amino acid conservation, physicochemical variation, residue mobility, and thermodynamic stability) indicates that this missense variant is expected to disrupt HJV protein function with a positive predictive value of 80%. For these reasons, this variant has been classified as Pathogenic.

Natera, Inc.
Classification: Likely pathogenic for Hemochromatosis type 2A. Last evaluated: 2024-11-19. Review status: criteria provided, single submitter. Criteria: Natera Variant Classification Schema (03/2026). Collection method: clinical testing. Allele origin: germline.
Comment: The c.302T>C variant in HJV is a missense variant predicted to cause substitution of leucine to proline at amino acid 101. This variant is rare in the general population with a frequency below the threshold expected for the associated phenotype(s). This variant has been observed in one or more individuals affected with the associated recessive disease, as either homozygous or compound heterozygous with a second variant (PMID: 14982867). Additionally, this variant has been observed to segregate in affected family members (PMID: 14982867). Computational prediction algorithms indicate this variant is likely to affect gene or protein function. Given the available evidence, this variant is classified as Likely Pathogenic.

PreventionGenetics, part of Exact Sciences
Classification: Pathogenic for HJV-related condition. Last evaluated: 2023-02-07. Review status: criteria provided, single submitter. Criteria: ACMG Guidelines, 2015. Collection method: clinical testing. Allele origin: germline.
Comment: The HJV c.302T>C variant is predicted to result in the amino acid substitution p.Leu101Pro. This variant has previously been reported to be causative for hemachromatosis (Lee et al 2004. PubMed ID: 14982867; Le Gac G et al 2004. PubMed ID: 15254010; Hamdi-Rozé H et al 2018. PubMed ID: 30389309; Lee PL et al 2004. PubMed ID: 15461631). This variant is reported in 0.00093% of alleles in individuals of European (Non-Finnish) descent in gnomAD. This variant is interpreted as pathogenic.

OMIM
Classification: Pathogenic for HEMOCHROMATOSIS, TYPE 2A. Last evaluated: 2004-10-01. Review status: no assertion criteria provided. Collection method: literature only. Allele origin: germline. Not counted in ClinVar's aggregate classification.

Literature cited by the submitters: PubMed 14982867 (cited by Labcorp Genetics (formerly Invitae), Labcorp and Natera, Inc.); PubMed 14982873 (cited by Labcorp Genetics (formerly Invitae), Labcorp); PubMed 30389309 (cited by Labcorp Genetics (formerly Invitae), Labcorp); PubMed 15461631 (cited by OMIM).

NM_213653.4(HJV):c.302T>C (p.Leu101Pro)

Gene: HJV (hemojuvelin BMP co-receptor; minus strand). Cytogenetic location: 1q21.1.
Variant type: single nucleotide variant.
Coding change: c.302T>C on transcript NM_213653.4 (MANE Select); coding-DNA position 302, T replaced by C.
Protein change: p.Leu101Pro; replaces leucine 101 with proline.
Molecular consequence: missense variant. On other transcripts: 5 prime UTR variant (1), intron variant (3).
Genome position (GRCh38, 1-based): chr1:146,019,530, A>G on the plus strand (T>C on the coding strand, the complement: HJV is on the minus strand). VCF-style: chr1-146019530-A-G. GRCh37 (hg19) VCF-style: chr1-145415483-T-C.
Other names: c.302T>C, p.Leu101Pro (NM_001379352.1); c.-38T>C (NM_145277.5); c.-21-830T>C (NM_213652.4); c.-22+168T>C (NM_202004.4, NM_001316767.2); short protein forms L101P.
Identifiers: ClinVar variation 2370 (VCV000002370.12), dbSNP rs74315327, ClinGen allele CA252256.